The following is an entry in ClinVar:

ClinVar aggregate classification (germline): Pathogenic (1 of 4 stars; one submission).

Conditions:
Combined malonic and methylmalonic acidemia. Identifiers: Orphanet 289504, MedGen C3280314, MONDO:0013661, OMIM 614265.

Allele frequency attached by ClinVar (database versions not stated): gnomAD exomes below 0.00001.
gnomAD v4.1: 1 of 1,614,206 alleles (0.000062%); highest among the groups gnomAD compares: Non-Finnish European, 0.000085%; no homozygotes.

Submission:

Labcorp Genetics (formerly Invitae), Labcorp
Classification: Pathogenic for Combined malonic and methylmalonic acidemia. Last evaluated: 2022-04-12. Review status: criteria provided, single submitter. Criteria: Invitae Variant Classification Sherloc (09022015). Collection method: clinical testing. Allele origin: germline.
Comment: This sequence change creates a premature translational stop signal (p.Gln310*) in the ACSF3 gene. It is expected to result in an absent or disrupted protein product. Loss-of-function variants in ACSF3 are known to be pathogenic (PMID: 21841779, 26827111). This variant is not present in population databases (gnomAD no frequency). This variant has not been reported in the literature in individuals affected with ACSF3-related conditions. For these reasons, this variant has been classified as Pathogenic.

Literature cited by the submitters: PubMed 21841779; PubMed 26827111.

NM_001243279.3(ACSF3):c.928C>T (p.Gln310Ter)

Gene: ACSF3 (acyl-CoA synthetase family member 3; plus strand). Cytogenetic location: 16q24.3.
Variant type: single nucleotide variant.
Coding change: c.928C>T on transcript NM_001243279.3 (MANE Select); coding-DNA position 928, C replaced by T.
Protein change: p.Gln310Ter; replaces glutamine 310 with a stop codon.
Molecular consequence: nonsense. On other transcripts: non-coding transcript variant (3).
Genome position (GRCh38, 1-based): chr16:89,112,197, C>T. VCF-style: chr16-89112197-C-T. GRCh37 (hg19) VCF-style: chr16-89178605-C-T.
Other names: c.928C>T, p.Gln310Ter (NM_001127214.4, NM_174917.5); c.133C>T, p.Gln45Ter (NM_001284316.2); short protein forms Q45*, Q310*.
Identifiers: ClinVar variation 2125525 (VCV002125525.4), dbSNP rs1397919778, ClinGen allele CA397139338.